The following is an entry in ClinVar:

NM_152641.4(ARID2):c.4922+2T>C

Gene: ARID2 (AT-rich interaction domain 2; plus strand). Cytogenetic location: 12q12.
Variant type: single nucleotide variant.
Coding change: c.4922+2T>C on transcript NM_152641.4 (MANE Select); the canonical splice donor site of the intron after coding-DNA position 4922, T replaced by C.
Molecular consequence: splice donor variant.
Genome position (GRCh38, 1-based): chr12:45,860,951, T>C. VCF-style: chr12-45860951-T-C. GRCh37 (hg19) VCF-style: chr12-46254734-T-C.
Other names: c.4922+2T>C (NM_001347839.2).
Identifiers: ClinVar variation 1066642 (VCV001066642.8), dbSNP rs2138192598, ClinGen allele CA384494793.
Genomic context (GRCh38, chr12:45,860,951, plus strand): 5'-GGAGATCCAATGAGAAAACCTGGACAGAACTTCATGTGTCTGTGGCAGTCTTGTAAAAAG[T>C]AAATGGCAATTTTATTTGATATATAAAAGTATTCTTTGTTTTGGAATGCTTTTATATTTA-3'

ClinVar aggregate classification (germline): Likely pathogenic (1 of 4 stars; one submission).

Submission:

Labcorp Genetics (formerly Invitae), Labcorp
Classification: Likely pathogenic. Last evaluated: 2020-02-08. Review status: criteria provided, single submitter. Criteria: Invitae Variant Classification Sherloc (09022015). Collection method: clinical testing. Allele origin: germline.
Comment: This sequence change affects a donor splice site in intron 16 of the ARID2 gene. It is expected to disrupt RNA splicing and likely results in an absent or disrupted protein product. This variant is not present in population databases (ExAC no frequency). In summary, the currently available evidence indicates that the variant is pathogenic, but additional data are needed to prove that conclusively. Therefore, this variant has been classified as Likely Pathogenic. Donor and acceptor splice site variants typically lead to a loss of protein function (PMID: 16199547), and loss-of-function variants in ARID2 are known to be pathogenic (PMID: 26238514, 28124119). This variant has not been reported in the literature in individuals with ARID2-related conditions.

Literature cited by the submitters: PubMed 16199547; PubMed 26238514; PubMed 28124119.